The following is an entry in ClinVar:

NM_007294.4(BRCA1):c.4660C>A (p.Pro1554Thr)

Gene: BRCA1 (BRCA1 DNA repair associated; minus strand). Cytogenetic location: 17q21.31.
Variant type: single nucleotide variant.
Coding change: c.4660C>A on transcript NM_007294.4 (MANE Select); coding-DNA position 4660, C replaced by A.
Protein change: p.Pro1554Thr; replaces proline 1554 with threonine.
Molecular consequence: missense variant. On other transcripts: non-coding transcript variant (1).
Genome position (GRCh38, 1-based): chr17:43,074,346, G>T on the plus strand (C>A on the coding strand, the complement: BRCA1 is on the minus strand). VCF-style: chr17-43074346-G-T. GRCh37 (hg19) VCF-style: chr17-41226363-G-T.
Other names: c.4537C>A, p.Pro1513Thr (NM_001407665.1, NM_001407666.1, NM_001407667.1 and 6 more transcripts); c.4657C>A, p.Pro1553Thr (NM_001407858.1, NM_001407859.1, NM_001407860.1 and 17 more transcripts); c.4153C>A, p.Pro1385Thr (NM_001407965.1); c.1351C>A, p.Pro451Thr (NM_001407975.1, NM_001407976.1, NM_001407977.1 and 3 more transcripts); c.4450C>A, p.Pro1484Thr (NM_001407885.1, NM_001407886.1, NM_001407887.1 and 5 more transcripts); c.4534C>A, p.Pro1512Thr (NM_001407679.1, NM_001407680.1, NM_001407939.1 and 11 more transcripts); c.4531C>A, p.Pro1511Thr (NM_001407681.1, NM_001407682.1, NM_001407683.1 and 6 more transcripts); c.4447C>A, p.Pro1483Thr (NM_001407894.1, NM_001407895.1, NM_001407896.1 and 12 more transcripts); and 68 more; short protein forms P450T, P1575T, P1507T, P1554T, P1425T, P1442T, P1443T, P1465T.
Identifiers: ClinVar variation 1484791 (VCV001484791.6), dbSNP rs2153989518, ClinGen allele CA10592193.

ClinVar aggregate classification (germline): Uncertain significance. Review status: criteria provided, multiple submitters, no conflicts (2 of 4 stars). 3 submissions from 3 submitters: Uncertain significance (3). Last evaluated 2024-11-16.

Conditions:
Breast-ovarian cancer, familial, susceptibility to, 1 (BROVCA1). Also called: OVARIAN CANCER, SUSCEPTIBILITY TO; BRCA1 Hereditary Breast and Ovarian Cancer. Identifiers: Orphanet 145, MedGen C2676676, MONDO:0011450, OMIM 604370. Disease mechanism: loss of function.
Hereditary breast ovarian cancer syndrome. Also called: Breast and ovarian cancer; Hereditary breast and/or ovarian cancer syndrome; Hereditary breast and ovarian cancer syndrome; BRCA1- and BRCA2-Associated Hereditary Breast and Ovarian Cancer; Hereditary breast and ovarian cancer; Hereditary breast and ovarian cancer syndrome (HBOC). Identifiers: Orphanet 145, MedGen C0677776, MeSH D061325, MONDO:0003582. Disease mechanism: loss of function.
Hereditary cancer-predisposing syndrome. Also called: Neoplastic Syndromes, Hereditary; Tumor predisposition; Hereditary Cancer Syndrome; Hereditary neoplastic syndrome. Identifiers: Orphanet 140162, MedGen C0027672, MeSH D009386, MONDO:0015356.

Submissions (3):

Ambry Genetics
Classification: Uncertain significance for Hereditary cancer-predisposing syndrome. Last evaluated: 2024-11-16. Review status: criteria provided, single submitter. Criteria: Ambry Variant Classification Scheme 2023. Collection method: clinical testing. Allele origin: germline.
Comment: The p.P1554T variant (also known as c.4660C>A), located in coding exon 13 of the BRCA1 gene, results from a C to A substitution at nucleotide position 4660. The proline at codon 1554 is replaced by threonine, an amino acid with highly similar properties. This amino acid position is well conserved in available vertebrate species. In addition, the in silico prediction for this alteration is inconclusive. Based on the available evidence, the clinical significance of this variant remains unclear.

Baylor Genetics
Classification: Uncertain significance for Breast-ovarian cancer, familial, susceptibility to, 1. Last evaluated: 2023-11-02. Review status: criteria provided, single submitter. Criteria: ACMG Guidelines, 2015. Collection method: clinical testing. Allele origin: unknown.

Labcorp Genetics (formerly Invitae), Labcorp
Classification: Uncertain significance for Hereditary breast ovarian cancer syndrome. Last evaluated: 2021-09-12. Review status: criteria provided, single submitter. Criteria: Invitae Variant Classification Sherloc (09022015). Collection method: clinical testing. Allele origin: germline.
Comment: This sequence change replaces proline with threonine at codon 1554 of the BRCA1 protein (p.Pro1554Thr). The proline residue is moderately conserved and there is a small physicochemical difference between proline and threonine. This variant is not present in population databases (ExAC no frequency). This variant has not been reported in the literature in individuals affected with BRCA1-related conditions. Advanced modeling of protein sequence and biophysical properties (such as structural, functional, and spatial information, amino acid conservation, physicochemical variation, residue mobility, and thermodynamic stability) performed at Invitae indicates that this missense variant is not expected to disrupt BRCA1 protein function. In summary, the available evidence is currently insufficient to determine the role of this variant in disease. Therefore, it has been classified as a Variant of Uncertain Significance.